The following is an entry in ClinVar:

NM_012186.3(FOXE3):c.956T>C (p.Leu319Pro)

Genes: FOXE3 (forkhead box E3; plus strand), LINC01389 (long independently transcribed non-coding RNA 1389; minus strand). Cytogenetic location: 1p33.
Variant type: single nucleotide variant.
Coding change: c.956T>C on transcript NM_012186.3 (MANE Select); coding-DNA position 956, T replaced by C.
Protein change: p.Leu319Pro; replaces leucine 319 with proline.
Molecular consequence: missense variant.
Genome position (GRCh38, 1-based): chr1:47,417,271, T>C. VCF-style: chr1-47417271-T-C. GRCh37 (hg19) VCF-style: chr1-47882943-T-C.
Other names: short protein forms L319P.
Identifiers: ClinVar variation 3226216 (VCV003226216.2), dbSNP rs1308848565, ClinGen allele CA340251205.
Genomic context (GRCh38, chr1:47,417,271, plus strand): 5'-TCAGCCCTGGGGAGGCCTACCTGAGGCAGCCGGGCTTCGCGTCGGGGCTGGAGCGCTACC[T>C]GTGAGCCTGCGCCGCGCGGGCAGGCACCTGTGCGACCTGTGCCCCGGACCTGCGGCGCCG-3'
Protein context (NP_036318.1, residues 309-319): PGFASGLERY[Leu319Pro]

ClinVar aggregate classification (germline): Uncertain significance. Review status: criteria provided, multiple submitters, no conflicts (2 of 4 stars). 2 submissions from 2 submitters: Uncertain significance (2). Last evaluated 2025-08-25.

Conditions:
Anterior segment dysgenesis. Also called: Ocular anterior segment dysgenesis. Identifiers: Orphanet 88632, MedGen C1862839, MONDO:0019503, HP:0007700.
Congenital primary aphakia. Also called: Anterior segment dysgenesis 2, multiple subtypes; ANTERIOR SEGMENT DYSGENESIS 2. Identifiers: Orphanet 83461, MedGen C1853230, MONDO:0012456, OMIM 610256.
Cardiovascular phenotype. Identifiers: MedGen CN230736.

gnomAD v4.1: 1 of 1,357,144 alleles (0.000074%); highest among the groups gnomAD compares: Middle Eastern, 0.027%; no homozygotes.

Submissions (2):

Labcorp Genetics (formerly Invitae), Labcorp
Classification: Uncertain significance for Anterior segment dysgenesis; Congenital primary aphakia. Last evaluated: 2025-08-25. Review status: criteria provided, single submitter. Criteria: Invitae Variant Classification Sherloc (09022015). Collection method: clinical testing. Allele origin: germline.
Comment: This sequence change replaces leucine, which is neutral and non-polar, with proline, which is neutral and non-polar, at codon 319 of the FOXE3 protein (p.Leu319Pro). This variant is not present in population databases (gnomAD no frequency). This variant has not been reported in the literature in individuals affected with FOXE3-related conditions. ClinVar contains an entry for this variant (Variation ID: 3226216). An algorithm developed to predict the effect of missense changes on protein structure and function (PolyPhen-2) suggests that this variant is likely to be disruptive. In summary, the available evidence is currently insufficient to determine the role of this variant in disease. Therefore, it has been classified as a Variant of Uncertain Significance.

Ambry Genetics
Classification: Uncertain significance for Cardiovascular phenotype. Last evaluated: 2024-03-01. Review status: criteria provided, single submitter. Criteria: Ambry Variant Classification Scheme 2023. Collection method: clinical testing. Allele origin: germline.
Comment: The p.L319P variant (also known as c.956T>C), located in coding exon 1 of the FOXE3 gene, results from a T to C substitution at nucleotide position 956. The leucine at codon 319 is replaced by proline, an amino acid with similar properties. This amino acid position is conserved. In addition, the in silico prediction for this alteration is inconclusive. Based on the available evidence, the clinical significance of this alteration remains unclear.